The following is an entry in ClinVar:

ClinVar aggregate classification (germline): Likely benign (1 of 4 stars; one submission).

Submission:

CeGaT Center for Human Genetics Tuebingen
Classification: Likely benign. Last evaluated: 2022-11-01. Review status: criteria provided, single submitter. Criteria: CeGaT Center For Human Genetics Tuebingen Variant Classification Criteria Version 2. Collection method: clinical testing. Allele origin: germline. Affected: yes. Observed: 1 variant allele.
Comment: NACA: BP4, BP7

NM_001365896.1(NACA):c.3609C>T (p.Pro1203=)

Gene: NACA (nascent polypeptide associated complex subunit alpha; minus strand). Cytogenetic location: 12q13.3.
Variant type: single nucleotide variant.
Coding change: c.3609C>T on transcript NM_001365896.1 (MANE Select); coding-DNA position 3609, C replaced by T.
Protein change: p.Pro1203=; no amino-acid change (proline 1203 retained).
Molecular consequence: synonymous variant. On other transcripts: intron variant (6).
Genome position (GRCh38, 1-based): chr12:56,717,921, G>A on the plus strand (C>T on the coding strand, the complement: NACA is on the minus strand). VCF-style: chr12-56717921-G-A. GRCh37 (hg19) VCF-style: chr12-57111705-G-A.
Other names: c.71-3234C>T (NM_001113202.2, NM_001320194.2, NM_001320193.2 and 2 more transcripts); c.1864+1616C>T (NM_001113203.3).
Identifiers: ClinVar variation 2643103 (VCV002643103.24), dbSNP rs2926746, ClinGen allele CA237687413.
Genomic context (GRCh38, chr12:56,717,921, plus strand): 5'-TGCAGCTGGGGTTGTGGGGGCCCCTTTGGGGGATGGGGTAGCTAGACCTCCTTTTGGGGA[G>A]GGAGGAGTTGCAGCTGGGGTTGTGGGGGCCCCTTTGGGGGATGGGGTAGCTAGACCTCCT-3'
Protein context (NP_001352825.1, residues 1193-1213): GAPTTPAATP[Pro1203=]SPKGGLATPS